The following is an entry in ClinVar:

NM_014159.7(SETD2):c.2742_2743dup (p.Lys915fs)

Gene: SETD2 (SET domain containing 2, histone lysine methyltransferase; minus strand). Cytogenetic location: 3p21.31.
Variant type: Duplication.
Coding change: c.2742_2743dup on transcript NM_014159.7 (MANE Select); coding-DNA positions 2742 to 2743, 2 bases duplicated (TA; older notation c.2742_2743dupTA).
Protein change: p.Lys915fs; shifts the reading frame from lysine 915.
Molecular consequence: frameshift variant. On other transcripts: non-coding transcript variant (1).
Genome position (GRCh38, 1-based): chr3:47,121,893-47,121,894, TA duplicated on the plus strand (TA on the coding strand, the reverse complement: SETD2 is on the minus strand). VCF-style (leftmost placement, unchanged base first): chr3-47121892-T-TTA. GRCh37 (hg19) VCF-style: chr3-47163382-T-TTA.
Other names: c.2610_2611dup, p.Lys871fs (NM_001349370.3); c.2742_2743dupTA (NM_014159.6); short protein forms K871fs, K915fs.
Identifiers: ClinVar variation 418818 (VCV000418818.1), dbSNP rs1553700642, ClinGen allele CA16617976.

ClinVar aggregate classification (germline): Pathogenic (1 of 4 stars; one submission).

Submission:

GeneDx
Classification: Pathogenic. Last evaluated: 2015-03-27. Review status: criteria provided, single submitter. Criteria: GeneDx Variant Classification (06012015). Collection method: clinical testing. Allele origin: germline. Affected: yes.
Comment: The c.2742_2743dupTA variant in the SETD2 gene has not been reported previously as a pathogenic variant nor as a benign polymorphism, to our knowledge. The c.2742_2743dupTA duplication causes a frameshift starting with codon Lysine 915, changes this amino acid to an Isoleucine residue and creates a premature Stop codon at position 8 of the new reading frame, denoted p.Lys915IlefsX8. This variant is predicted to cause loss of normal protein function either through protein truncation or nonsense-mediated mRNA decay. The c.2742_2743dupTA duplication was not observed in approximately 6,500 individuals of European and African American ancestry in the NHLBI Exome Sequencing Project, indicating it is not a common benign variant in these populations. We interpret c.2742_2743dupTA as a pathogenic variant.